The following is an entry in ClinVar:

ClinVar aggregate classification (germline): Uncertain significance (1 of 4 stars; one submission).

Conditions:
Inborn genetic diseases. Identifiers: MedGen C0950123, MeSH D030342.

Submission:

Ambry Genetics
Classification: Uncertain significance for Inborn genetic diseases. Last evaluated: 2022-10-15. Review status: criteria provided, single submitter. Criteria: Ambry Variant Classification Scheme 2023. Collection method: clinical testing. Allele origin: germline.
Comment: The p.P149R variant (also known as c.446C>G), located in coding exon 5 of the MDH2 gene, results from a C to G substitution at nucleotide position 446. The proline at codon 149 is replaced by arginine, an amino acid with dissimilar properties. This amino acid position is conserved. In addition, this alteration is predicted to be deleterious by in silico analysis. Since supporting evidence is limited at this time, the clinical significance of this alteration remains unclear.

NM_005918.4(MDH2):c.446C>G (p.Pro149Arg)

Gene: MDH2 (malate dehydrogenase 2; plus strand). Cytogenetic location: 7q11.23.
Variant type: single nucleotide variant.
Coding change: c.446C>G on transcript NM_005918.4 (MANE Select); coding-DNA position 446, C replaced by G.
Protein change: p.Pro149Arg; replaces proline 149 with arginine.
Molecular consequence: missense variant. On other transcripts: intron variant (1).
Genome position (GRCh38, 1-based): chr7:76,060,389, C>G. VCF-style: chr7-76060389-C-G. GRCh37 (hg19) VCF-style: chr7-75689707-C-G.
Other names: c.125C>G, p.Pro42Arg (NM_001282404.2); c.429+2311C>G (NM_001282403.2); short protein forms P42R, P149R.
Identifiers: ClinVar variation 1740813 (VCV001740813.2), dbSNP rs2535863737, ClinGen allele CA367764769.